The following is an entry in ClinVar:

ClinVar aggregate classification (germline): Likely benign (1 of 4 stars; one submission).

Allele frequency attached by ClinVar (database versions not stated): TOPMed 0.00007; gnomAD 0.00012; ESP Exome Variant Server 0.00023.
gnomAD v4.1: 151 of 1,613,398 alleles (0.0094%); highest among the groups gnomAD compares: Non-Finnish European, 0.012%; no homozygotes.

Submission:

CeGaT Center for Human Genetics Tuebingen
Classification: Likely benign. Last evaluated: 2023-11-01. Review status: criteria provided, single submitter. Criteria: CeGaT Center For Human Genetics Tuebingen Variant Classification Criteria Version 2. Collection method: clinical testing. Allele origin: germline. Affected: yes. Observed: 1 variant allele.
Comment: PRMT5: BP4

NM_006109.5(PRMT5):c.940-5A>G

Gene: PRMT5 (protein arginine methyltransferase 5; minus strand). Cytogenetic location: 14q11.2.
Variant type: single nucleotide variant.
Coding change: c.940-5A>G on transcript NM_006109.5 (MANE Select); 5 bases into the intron before coding-DNA position 940, A replaced by G.
Molecular consequence: intron variant.
Genome position (GRCh38, 1-based): chr14:22,924,714, T>C on the plus strand (A>G on the coding strand, the complement: PRMT5 is on the minus strand). VCF-style: chr14-22924714-T-C. GRCh37 (hg19) VCF-style: chr14-23393923-T-C.
Other names: c.808-5A>G (NM_001282955.2); c.622-5A>G (NM_001282954.2); c.757-5A>G (NM_001282953.2); c.427-5A>G (NM_001282956.2); c.889-5A>G (NM_001039619.3).
Identifiers: ClinVar variation 2672556 (VCV002672556.23), dbSNP rs370355589, ClinGen allele CA7107198.
Genomic context (GRCh38, chr14:22,924,714, plus strand): 5'-ATGGGGTCCTTTTCAAACACTTCATATGTCTGAGATTCCAGATTGTCCATCAGTGGCTGA[T>C]GAATGAGGAAAAGGACAAAGTTAGCCAGTTTCTGGCAAAGGACAATGCACTAAAATATCA-3'